The following is an entry in ClinVar:

NM_000038.6(APC):c.1477T>C (p.Tyr493His)

Gene: APC (APC regulator of Wnt signaling pathway; plus strand). Cytogenetic location: 5q22.2.
Variant type: single nucleotide variant.
Coding change: c.1477T>C on transcript NM_000038.6 (MANE Select); coding-DNA position 1477, T replaced by C.
Protein change: p.Tyr493His; replaces tyrosine 493 with histidine.
Molecular consequence: missense variant.
Genome position (GRCh38, 1-based): chr5:112,827,176, T>C. VCF-style: chr5-112827176-T-C. GRCh37 (hg19) VCF-style: chr5-112162873-T-C.
Other names: c.1477T>C, p.Tyr493His (NM_001127510.3, NM_001354895.2, NM_001407450.1); c.1423T>C, p.Tyr475His (NM_001127511.3); c.1531T>C, p.Tyr511His (NM_001354896.2, NM_001407447.1, NM_001407448.1 and 1 more transcripts); c.1507T>C, p.Tyr503His (NM_001354897.2); c.1402T>C, p.Tyr468His (NM_001354898.2); c.1393T>C, p.Tyr465His (NM_001354899.2); c.1354T>C, p.Tyr452His (NM_001354900.2); c.1300T>C, p.Tyr434His (NM_001354901.2, NM_001407453.1); and 11 more; short protein forms Y210H, Y402H, Y410H, Y475H, Y364H, Y452H, Y503H, Y511H.
Identifiers: ClinVar variation 3635410 (VCV003635410.2).

ClinVar aggregate classification (germline): Uncertain significance (1 of 4 stars; one submission).

Conditions:
Familial adenomatous polyposis 1 (FAP1). Also called: FAMILIAL ADENOMATOUS POLYPOSIS 1, ATTENUATED; POLYPOSIS, ADENOMATOUS INTESTINAL. Identifiers: MedGen C2713442, MONDO:0021056, OMIM 175100. Disease mechanism: loss of function.

Submission:

Labcorp Genetics (formerly Invitae), Labcorp
Classification: Uncertain significance for Familial adenomatous polyposis 1. Last evaluated: 2024-03-20. Review status: criteria provided, single submitter. Criteria: Invitae Variant Classification Sherloc (09022015). Collection method: clinical testing. Allele origin: germline.
Comment: This sequence change replaces tyrosine, which is neutral and polar, with histidine, which is basic and polar, at codon 493 of the APC protein (p.Tyr493His). This variant is not present in population databases (gnomAD no frequency). This variant has not been reported in the literature in individuals affected with APC-related conditions. Advanced modeling of protein sequence and biophysical properties (such as structural, functional, and spatial information, amino acid conservation, physicochemical variation, residue mobility, and thermodynamic stability) performed at Invitae indicates that this missense variant is not expected to disrupt APC protein function with a negative predictive value of 95%. In summary, the available evidence is currently insufficient to determine the role of this variant in disease. Therefore, it has been classified as a Variant of Uncertain Significance.